The following is an entry in ClinVar:

ClinVar aggregate classification (germline): Uncertain significance (1 of 4 stars; one submission).

Conditions:
Intellectual developmental disorder with gastrointestinal difficulties and high pain threshold (JDVS). Also called: JANSEN-DE VRIES SYNDROME. Identifiers: Orphanet 653767, MedGen C4479517, MONDO:0044318, OMIM 617450.
Familial cancer of breast. Also called: BREAST CANCER, FAMILIAL; hereditary breast carcinoma; Hereditary breast cancer. Identifiers: Orphanet 227535, MedGen C0346153, MONDO:0016419, OMIM 114480. Disease mechanism: loss of function.

Submission:

Juno Genomics, Hangzhou Juno Genomics, Inc
Classification: Uncertain significance for Intellectual developmental disorder with gastrointestinal difficulties and high pain threshold; Familial cancer of breast. Review status: criteria provided, single submitter. Criteria: ACMG Guidelines, 2015. Collection method: clinical testing. Allele origin: germline.
Comment: Absent from controls (or at extremely low frequency if recessive) in Genome Aggregation Database.

NM_003620.4(PPM1D):c.578C>G (p.Ser193Ter)

Genes: PPM1D (protein phosphatase, Mg2+/Mn2+ dependent 1D; plus strand), LOC129390907 (MPRA-validated peak2930 silencer; plus strand). Cytogenetic location: 17q23.2.
Variant type: single nucleotide variant.
Coding change: c.578C>G on transcript NM_003620.4 (MANE Select); coding-DNA position 578, C replaced by G.
Protein change: p.Ser193Ter; replaces serine 193 with a stop codon.
Molecular consequence: nonsense.
Genome position (GRCh38, 1-based): chr17:60,623,626, C>G. VCF-style: chr17-60623626-C-G. GRCh37 (hg19) VCF-style: chr17-58700987-C-G.
Other names: short protein forms S193*.
Identifiers: ClinVar variation 5005785 (VCV005005785.2).
Genomic context (GRCh38, chr17:60,623,626, plus strand): 5'-CAACTGCCAGTGTGGTCATCATTCGGGGCATGAAGATGTATGTAGCTCACGTAGGTGACT[C>G]AGGGGTGGTTCTTGGAATTCAGGATGACCCGAAGGATGACTTTGTCAGAGCTGTGGAGGT-3'